The following is an entry in ClinVar:

NM_001692.4(ATP6V1B1):c.541C>T (p.Gln181Ter)

Gene: ATP6V1B1 (ATPase H+ transporting V1 subunit B1; plus strand). Cytogenetic location: 2p13.3.
Variant type: single nucleotide variant.
Coding change: c.541C>T on transcript NM_001692.4 (MANE Select); coding-DNA position 541, C replaced by T.
Protein change: p.Gln181Ter; replaces glutamine 181 with a stop codon.
Molecular consequence: nonsense.
Genome position (GRCh38, 1-based): chr2:70,960,034, C>T. VCF-style: chr2-70960034-C-T. GRCh37 (hg19) VCF-style: chr2-71187164-C-T.
Other names: c.541C>T (NM_001692.3); short protein forms Q181*.
Identifiers: ClinVar variation 2585130 (VCV002585130.6), dbSNP rs1553419769, ClinGen allele CA347182106.

ClinVar aggregate classification (germline): Pathogenic/Likely pathogenic. Review status: criteria provided, multiple submitters, no conflicts (2 of 4 stars). 4 submissions from 4 submitters: Pathogenic (2); Likely pathogenic (2). Last evaluated 2025-11-04.

Conditions:
Renal tubular acidosis with progressive nerve deafness. Also called: Distal Renal Tubular Acidosis with Progressive Sensorineural Deafness; RENAL TUBULAR ACIDOSIS, AUTOSOMAL RECESSIVE, WITH PROGRESSIVE NERVE DEAFNESS; RTA WITH PROGRESSIVE NERVE DEAFNESS; renal tubular acidosis, distal, 2, with progressive sensorineural hearing loss. Identifiers: MedGen C0403554, MONDO:0009968, OMIM 267300.

Allele frequency attached by ClinVar (database versions not stated): gnomAD exomes below 0.00001.
gnomAD v4.1: 7 of 1,614,232 alleles (0.00043%); highest among the groups gnomAD compares: South Asian, 0.0066%; no homozygotes.

Submissions (4):

Natera, Inc.
Classification: Likely pathogenic for Renal tubular acidosis with progressive nerve deafness. Last evaluated: 2025-11-04. Review status: criteria provided, single submitter. Criteria: Natera Variant Classification Schema (03/2026). Collection method: clinical testing. Allele origin: germline.
Comment: The c.541C>T variant in ATP6V1B1 is a nonsense variant predicted to introduce a stop codon at amino acid 181. This variant is expected to result in nonsense mediated decay, truncation, or a dysfunctional protein product. This variant is rare in the general population with a frequency below the threshold expected for the associated phenotype(s). Given the available evidence, this variant is classified as Likely Pathogenic.

Labcorp Genetics (formerly Invitae), Labcorp
Classification: Pathogenic. Last evaluated: 2024-02-01. Review status: criteria provided, single submitter. Criteria: Invitae Variant Classification Sherloc (09022015). Collection method: clinical testing. Allele origin: germline.
Comment: This sequence change creates a premature translational stop signal (p.Gln181*) in the ATP6V1B1 gene. It is expected to result in an absent or disrupted protein product. Loss-of-function variants in ATP6V1B1 are known to be pathogenic (PMID: 9916796, 18368028). This variant is present in population databases (no rsID available, gnomAD 0.006%). This premature translational stop signal has been observed in individual(s) with primary distal renal tubular acidosis (PMID: 35990030). ClinVar contains an entry for this variant (Variation ID: 2585130). For these reasons, this variant has been classified as Pathogenic.

Fulgent Genetics
Classification: Pathogenic for Renal tubular acidosis with progressive nerve deafness. Last evaluated: 2023-12-29. Review status: criteria provided, single submitter. Criteria: ACMG Guidelines, 2015. Collection method: clinical testing. Allele origin: germline.

Neuberg Centre For Genomic Medicine, NCGM
Classification: Likely pathogenic for Renal tubular acidosis with progressive nerve deafness. Review status: criteria provided, single submitter. Criteria: ACMG Guidelines, 2015. Collection method: clinical testing. Allele origin: germline. Inheritance: Autosomal recessive inheritance. Affected: yes.
Comment: "The c.541C>T (p.Gln181Ter) stop gained variant has not been reported previously as a pathogenic variant nor as a benign variant, to our knowledge. This variant is reported with the allele frequency (0.0007%) in the gnomAD and novel in 1000 genome database. The nucleotide change c.541C>T in ATP6V1B1 is predicted as conserved by GERP++ and PhyloP across 100 vertebrates. This variant is predicted to cause loss of normal protein function through protein truncation. Loss of function variants have been previously reported to be disease causing. For these reasons, this variant has been classified as Likely Pathogenic."

Literature cited by the submitters: PubMed 9916796 (cited by Labcorp Genetics (formerly Invitae), Labcorp); PubMed 18368028 (cited by Labcorp Genetics (formerly Invitae), Labcorp); PubMed 35990030 (cited by Labcorp Genetics (formerly Invitae), Labcorp).